The following is an entry in ClinVar:

ClinVar aggregate classification (germline): Uncertain significance (1 of 4 stars; one submission).

Conditions:
Myasthenic syndrome, congenital, 22 (CMS22). Also called: PREPL DEFICIENCY. Identifiers: MedGen C4479088, MONDO:0044299, OMIM 616224.

Submission:

Labcorp Genetics (formerly Invitae), Labcorp
Classification: Uncertain significance for Myasthenic syndrome, congenital, 22. Last evaluated: 2019-11-13. Review status: criteria provided, single submitter. Criteria: Invitae Variant Classification Sherloc (09022015). Collection method: clinical testing. Allele origin: germline.
Comment: This sequence change replaces glycine with arginine at codon 687 of the PREPL protein (p.Gly687Arg). The glycine residue is highly conserved and there is a moderate physicochemical difference between glycine and arginine. This variant is not present in population databases (ExAC no frequency). This variant has not been reported in the literature in individuals with PREPL-related conditions. Algorithms developed to predict the effect of missense changes on protein structure and function are either unavailable or do not agree on the potential impact of this missense change (SIFT: "Deleterious"; PolyPhen-2: "Probably Damaging"; Align-GVGD: "Class C0"). In summary, the available evidence is currently insufficient to determine the role of this variant in disease. Therefore, it has been classified as a Variant of Uncertain Significance.

NM_001171613.2(PREPL):c.1792G>C (p.Gly598Arg)

Genes: PREPL (prolyl endopeptidase like; minus strand), SLC3A1 (solute carrier family 3 member 1; plus strand). Cytogenetic location: 2p21.
Variant type: single nucleotide variant.
Coding change: c.1792G>C on transcript NM_001171613.2 (MANE Select); coding-DNA position 1792, G replaced by C.
Protein change: p.Gly598Arg; replaces glycine 598 with arginine.
Molecular consequence: missense variant.
Genome position (GRCh38, 1-based): chr2:44,321,862, C>G on the plus strand (G>C on the coding strand, the complement: PREPL is on the minus strand). VCF-style: chr2-44321862-C-G. GRCh37 (hg19) VCF-style: chr2-44549001-C-G.
Other names: c.1873G>C, p.Gly625Arg (NM_001042385.2); c.1861G>C, p.Gly621Arg (NM_001042386.2); c.2059G>C, p.Gly687Arg (NM_001171603.1, NM_001171606.2, NM_001374275.1 and 2 more transcripts); c.1792G>C, p.Gly598Arg (NM_001171617.1, NM_001374277.1); short protein forms G598R, G625R, G687R, G621R.
Identifiers: ClinVar variation 971299 (VCV000971299.9), dbSNP rs1672990690, ClinGen allele CA346687907.